The following is an entry in ClinVar:

NM_001267550.2(TTN):c.45895G>A (p.Glu15299Lys)

Gene: TTN (titin; minus strand). Cytogenetic location: 2q31.2.
Variant type: single nucleotide variant.
Coding change: c.45895G>A on transcript NM_001267550.2 (MANE Select); coding-DNA position 45895, G replaced by A.
Protein change: p.Glu15299Lys; replaces glutamic acid 15299 with lysine.
Molecular consequence: missense variant.
Genome position (GRCh38, 1-based): chr2:178,620,715, C>T on the plus strand (G>A on the coding strand, the complement: TTN is on the minus strand). VCF-style: chr2-178620715-C-T. GRCh37 (hg19) VCF-style: chr2-179485442-C-T.
Other names: c.40972G>A, p.Glu13658Lys (NM_001256850.1); c.18700G>A, p.Glu6234Lys (NM_003319.4); c.19075G>A, p.Glu6359Lys (NM_133432.3); c.19276G>A, p.Glu6426Lys (NM_133437.4); c.38191G>A, p.Glu12731Lys (NM_133378.4); short protein forms E15299K, E12731K, E6426K, E6359K, E13658K, E6234K.
Identifiers: ClinVar variation 46994 (VCV000046994.11), dbSNP rs397517582, ClinGen allele CA139713.
Genomic context (GRCh38, chr2:178,620,715, plus strand): 5'-TTAATTATTTTTATAACAGAAACTGATGAAAAAATCTCTAGTGGTATATAAATTACTTAC[C>T]TTCTACTATTAGATTGGCTGCACTTTTAACATTTTCACCTCTGTGATTGGTCAAAGACAC-3'
Protein context (NP_001254479.2, residues 15289-15309): VKSAANLIVE[Glu15299Lys]EDLRIVEPLK

ClinVar aggregate classification (germline): Uncertain significance. Review status: criteria provided, multiple submitters, no conflicts (2 of 4 stars). 6 submissions from 6 submitters: Uncertain significance (5). 1 of the submissions does not count toward it. Last evaluated 2021-10-18.

Conditions:
TTN-related disorder. Also called: TTN-related disease; TTN-related disorders; TTN-related condition.
Cardiovascular phenotype. Identifiers: MedGen CN230736.
Dilated cardiomyopathy 1G (CMD1G). Identifiers: Orphanet 154, MedGen C1858763, MONDO:0011400, OMIM 604145.

Allele frequency attached by ClinVar (database versions not stated): TOPMed below 0.00001; ExAC 0.00001; gnomAD exomes 0.00001.
gnomAD v4.1: 17 of 1,612,176 alleles (0.0011%); highest among the groups gnomAD compares: Non-Finnish European, 0.0014%; no homozygotes.

Submissions (6):

Women's Health and Genetics/Laboratory Corporation of America, LabCorp
Classification: Uncertain significance. Last evaluated: 2021-10-18. Review status: criteria provided, single submitter. Criteria: LabCorp Variant Classification Summary - May 2015. Collection method: clinical testing. Allele origin: germline.
Comment: Variant summary: TTN c.38191G>A (p.Glu12731Lys) results in a conservative amino acid change located in the I-band region of the encoded protein sequence. Three of five in-silico tools predict a damaging effect of the variant on protein function. Several computational tools predict a significant impact on normal splicing: Three predict the variant weakens a 5' donor site. However, these predictions have yet to be confirmed by functional studies. The variant allele was found at a frequency of 8.1e-06 in 247536 control chromosomes (gnomAD). The available data on variant occurrences in the general population are insufficient to allow any conclusion about variant significance. c.38191G>A has been reported in the literature in an individual affected with hypertrophic cardiomyopathy (Burstein_2021). This report does not provide unequivocal conclusions about association of the variant with Dilated Cardiomyopathy. To our knowledge, no experimental evidence demonstrating an impact on protein function has been reported. Two ClinVar submitters (evaluation after 2014) cite the variant as uncertain significance. Based on the evidence outlined above, the variant was classified as uncertain significance.

Victorian Clinical Genetics Services, Murdoch Childrens Research Institute
Classification: Uncertain significance for Dilated cardiomyopathy 1G. Last evaluated: 2021-05-06. Review status: criteria provided, single submitter. Criteria: ACMG Guidelines, 2015. Collection method: clinical testing. Allele origin: germline. Inheritance: Autosomal dominant inheritance. Affected: yes.
Comment: Based on the classification scheme VCGS_Germline_v1.3.4, this variant is classified as VUS-3B. Following criteria are met: 0103 - Loss of function is an established mechanism of disease while dominant negative is a likely mechanism, as not all truncated transcripts in dilated cardiomyopathy (DCM) undergo nonsense mediated decay (PMID: 25589632). (I) 0108 - This gene is associated with both recessive and dominant disease (OMIM). (I) 0112 - The condition associated with this gene has incomplete penetrance. Protein truncating variants in this gene are known to have reduced penetrance in DCM (PMID: 25589632). (I) 0200 - Variant is predicted to result in a missense amino acid change from glutamic acid to lysine. (I) 0219 - This variant is non-coding in an alternative transcript. However, this variant is coding in the cardiac transcript (PMID: 27854229). (I) 0251 - This variant is heterozygous. (I) 0302 - Variant is present in gnomAD (v2) <0.001 for a dominant condition (2 heterozygotes, 0 homozygotes). (SP) 0502 - Missense variant with conflicting in silico predictions and uninformative conservation. In addition, the nucleotide at c.45895 has high conservation (PhyloP) however, splicing in silico analyses do not predict a change in splicing. (I) 0600 - Variant is located in the annotated Ig-like domain within the I-band (PMID: 25589632). (I) 0705 - No comparable missense variants have previous evidence for pathogenicity. (I) 0809 - Previous evidence of pathogenicity for this variant is inconclusive. It has been reported as a VUS in ClinVar with no condition provided. (I) 0905 - No published segregation evidence has been identified for this variant. (I) 1007 - No published functional evidence has been identified for this variant. (I) 1208 - Inheritance information for this variant is not currently available in this individual. (I) Legend: (SP) - Supporting pathogenic, (I) - Information, (SB) - Supporting benign

Ambry Genetics
Classification: Uncertain significance for Cardiovascular phenotype. Last evaluated: 2019-01-23. Review status: criteria provided, single submitter. Criteria: Ambry Variant Classification Scheme 2023. Collection method: clinical testing. Allele origin: germline.
Comment: The c.18700G>A variant (also known as p.E6234K), located in coding exon 74 of the TTN gene, results from a G to A substitution at nucleotide position 18700. This change occurs in the last base pair of coding exon 74, which makes it likely to have some effect on normal mRNA splicing. In addition to potential splicing impact, the amino acid change results in glutamic acid to lysine at codon 6234, an amino acid with similar properties. Both the nucleotide and amino acid positions are highly conserved in available vertebrate species. Using two different splice site prediction tools, this alteration is predicted by ESEfinder to weaken the efficiency of the native splice donor site, but is not predicted to have a deleterious effect on this splice donor site by BDGP; however, direct evidence is unavailable. In addition, this alteration is predicted to be tolerated by in silico analysis. Since supporting evidence is limited at this time, the clinical significance of this variant remains unclear.

Laboratory for Molecular Medicine, Mass General Brigham Personalized Medicine
Classification: Uncertain significance. Last evaluated: 2018-08-16. Review status: criteria provided, single submitter. Criteria: LMM Criteria. Collection method: clinical testing. Allele origin: germline. Observed: 1 variant allele.
Comment: The p.Glu12731Lys variant in TTN has not been previously reported in individual s with cardiomyopathy, but has been identified in 2/110474 of European chromosom es by the Genome Aggregation Database (gnomAD; dbSNP rs397517582). This variant is located in the last three bases of the exon , which is part of the 5? splice region. While computational tools do not predic t altered splicing, other computational analysis suggest that this variant may i mpact the protein, though this information is not predictive enough to determine pathogenicity. In summary, the clinical significance of the p.Glu12731Lys varia nt is uncertain. ACMG/AMP Criteria applied: PM2, PP3.

Athena Diagnostics
Classification: Uncertain significance. Last evaluated: 2017-10-09. Review status: criteria provided, single submitter. Criteria: Athena Diagnostics Criteria. Collection method: clinical testing. Allele origin: germline.

PreventionGenetics, part of Exact Sciences
Classification: Uncertain significance for TTN-related condition. Last evaluated: 2024-04-28. Review status: no assertion criteria provided. Collection method: clinical testing. Allele origin: germline. Not counted in ClinVar's aggregate classification.
Comment: The TTN c.45895G>A variant is predicted to result in the amino acid substitution p.Glu15299Lys. This variant was reported along with additional TTN variants in an individual with hypertrophic cardiomyopathy (Table S2, Burstein et al. 2021. PubMed ID: 32746448). This variant is reported in 0.0018% of alleles in individuals of European (Non-Finnish) descent in gnomAD. At this time, the clinical significance of this variant is uncertain due to the absence of conclusive functional and genetic evidence.

Literature cited by the submitters: PubMed 32746448 (cited by Women's Health and Genetics/Laboratory Corporation of America, LabCorp); PubMed 25589632 (cited by Victorian Clinical Genetics Services, Murdoch Childrens Research Institute); PubMed 27854229 (cited by Victorian Clinical Genetics Services, Murdoch Childrens Research Institute).